The following is an entry in ClinVar:

ClinVar aggregate classification (germline): Uncertain significance. Review status: criteria provided, multiple submitters, no conflicts (2 of 4 stars). 4 submissions from 4 submitters: Uncertain significance (4). Last evaluated 2024-06-19.

Conditions:
Short-rib thoracic dysplasia 10 with or without polydactyly (SRTD10). Identifiers: Orphanet 474, MedGen C3810175, MONDO:0014284, OMIM 615630.
Bardet-Biedl syndrome 20. Identifiers: MedGen C4310707, MONDO:0023670, OMIM 619471, MONDO:0014926.
Retinitis pigmentosa 71 (RP71). Identifiers: Orphanet 791, MedGen C4225342, MONDO:0014618, OMIM 616394.
IFT172-related disorder. Also called: IFT172-related disorders; IFT172-related condition.

Allele frequency attached by ClinVar (database versions not stated): gnomAD 0.00001; gnomAD exomes 0.00001; TOPMed 0.00001; ExAC 0.00002.
gnomAD v4.1: 17 of 1,614,048 alleles (0.0011%); highest among the groups gnomAD compares: Middle Eastern, 0.016%; no homozygotes.

Submissions (4):

Labcorp Genetics (formerly Invitae), Labcorp
Classification: Uncertain significance for Retinitis pigmentosa 71; Short-rib thoracic dysplasia 10 with or without polydactyly. Last evaluated: 2024-06-19. Review status: criteria provided, single submitter. Criteria: Invitae Variant Classification Sherloc (09022015). Collection method: clinical testing. Allele origin: germline.
Comment: This sequence change replaces glutamic acid, which is acidic and polar, with lysine, which is basic and polar, at codon 1530 of the IFT172 protein (p.Glu1530Lys). This variant is present in population databases (rs764604255, gnomAD 0.002%). This variant has not been reported in the literature in individuals affected with IFT172-related conditions. ClinVar contains an entry for this variant (Variation ID: 938111). Advanced modeling of protein sequence and biophysical properties (such as structural, functional, and spatial information, amino acid conservation, physicochemical variation, residue mobility, and thermodynamic stability) performed at Invitae indicates that this missense variant is not expected to disrupt IFT172 protein function with a negative predictive value of 80%. In summary, the available evidence is currently insufficient to determine the role of this variant in disease. Therefore, it has been classified as a Variant of Uncertain Significance.

Blueprint Genetics
Classification: Uncertain significance. Last evaluated: 2023-12-12. Review status: criteria provided, single submitter. Criteria: ACMG Guidelines, 2015. Collection method: clinical testing. Allele origin: germline.

PreventionGenetics, part of Exact Sciences
Classification: Uncertain significance for IFT172-related condition. Last evaluated: 2023-08-17. Review status: criteria provided, single submitter. Criteria: ACMG Guidelines, 2015. Collection method: clinical testing. Allele origin: germline.
Comment: The IFT172 c.4588G>A variant is predicted to result in the amino acid substitution p.Glu1530Lys. To our knowledge, this variant has not been reported in the literature. This variant is reported in 0.0018% of alleles in individuals of European (Non-Finnish) descent in gnomAD. At this time, the clinical significance of this variant is uncertain due to the absence of conclusive functional and genetic evidence.

Fulgent Genetics
Classification: Uncertain significance for Short-rib thoracic dysplasia 10 with or without polydactyly; Retinitis pigmentosa 71; Bardet-Biedl syndrome 20. Last evaluated: 2022-03-22. Review status: criteria provided, single submitter. Criteria: ACMG Guidelines, 2015. Collection method: clinical testing. Allele origin: unknown.

NM_015662.3(IFT172):c.4588G>A (p.Glu1530Lys)

Gene: IFT172 (intraflagellar transport 172; minus strand). Cytogenetic location: 2p23.3.
Variant type: single nucleotide variant.
Coding change: c.4588G>A on transcript NM_015662.3 (MANE Select); coding-DNA position 4588, G replaced by A.
Protein change: p.Glu1530Lys; replaces glutamic acid 1530 with lysine.
Molecular consequence: missense variant.
Genome position (GRCh38, 1-based): chr2:27,447,586, C>T on the plus strand (G>A on the coding strand, the complement: IFT172 is on the minus strand). VCF-style: chr2-27447586-C-T. GRCh37 (hg19) VCF-style: chr2-27670453-C-T.
Other names: short protein forms E1530K.
Identifiers: ClinVar variation 938111 (VCV000938111.11), dbSNP rs764604255, ClinGen allele CA1579549.